The following is an entry in ClinVar:

NM_001077418.3(TMEM231):c.4G>A (p.Ala2Thr)

Gene: TMEM231 (transmembrane protein 231; minus strand). Cytogenetic location: 16q23.1.
Variant type: single nucleotide variant.
Coding change: c.4G>A on transcript NM_001077418.3 (MANE Select); coding-DNA position 4, G replaced by A.
Protein change: p.Ala2Thr; replaces alanine 2 with threonine.
Molecular consequence: missense variant. On other transcripts: nonsense (1), non-coding transcript variant (1).
Genome position (GRCh38, 1-based): chr16:75,556,206, C>T on the plus strand (G>A on the coding strand, the complement: TMEM231 is on the minus strand). VCF-style: chr16-75556206-C-T. GRCh37 (hg19) VCF-style: chr16-75590104-C-T.
Other names: c.66G>A, p.Trp22Ter (NM_001077416.2); short protein forms A2T, W22*.
Identifiers: ClinVar variation 1430979 (VCV001430979.7), dbSNP rs903354438, ClinGen allele CA283891042.

ClinVar aggregate classification (germline): Pathogenic/Likely pathogenic. Review status: criteria provided, multiple submitters, no conflicts (2 of 4 stars). 2 submissions from 2 submitters: Pathogenic (1); Likely pathogenic (1). Last evaluated 2021-10-10.

Conditions:
Joubert syndrome 20 (JBTS20). Identifiers: Orphanet 475, MedGen C3554235, MONDO:0013994, OMIM 614970.
Meckel syndrome, type 11 (MKS11). Identifiers: Orphanet 564, MedGen C3809352, MONDO:0014164, OMIM 615397.
TMEM231-related disorder. Also called: TMEM231-related condition.

Submissions (2):

Labcorp Genetics (formerly Invitae), Labcorp
Classification: Pathogenic for Joubert syndrome 20; Meckel syndrome, type 11. Last evaluated: 2021-10-10. Review status: criteria provided, single submitter. Criteria: Invitae Variant Classification Sherloc (09022015). Collection method: clinical testing. Allele origin: germline.
Comment: This sequence change creates a premature translational stop signal (p.Trp22*) in the TMEM231 gene. It is expected to result in an absent or disrupted protein product. Loss-of-function variants in TMEM231 are known to be pathogenic (PMID: 23012439, 23349226). For these reasons, this variant has been classified as Pathogenic. This variant has not been reported in the literature in individuals affected with TMEM231-related conditions. The frequency data for this variant in the population databases is considered unreliable, as metrics indicate insufficient coverage at this position in the ExAC database.

Blueprint Genetics
Classification: Likely pathogenic for TMEM231-related disorders. Last evaluated: 2019-06-17. Review status: criteria provided, single submitter. Criteria: ACMG Guidelines, 2015. Collection method: clinical testing. Allele origin: germline. Affected: yes. Observed: 1 variant allele.

Literature cited by the submitters: PubMed 23012439 (cited by Labcorp Genetics (formerly Invitae), Labcorp); PubMed 23349226 (cited by Labcorp Genetics (formerly Invitae), Labcorp).